The following is an entry in ClinVar:

ClinVar aggregate classification (germline): Pathogenic. Review status: criteria provided, multiple submitters, no conflicts (2 of 4 stars). 9 submissions from 9 submitters: Pathogenic (7). 2 of the submissions do not count toward it. Last evaluated 2025-08-29.

Conditions:
Amyotrophic lateral sclerosis type 5 (ALS5). Also called: AMYOTROPHIC LATERAL SCLEROSIS 5, JUVENILE. Identifiers: Orphanet 300605, MedGen C1865864, MONDO:0011196, OMIM 602099.
Charcot-Marie-Tooth disease axonal type 2X. Also called: CHARCOT-MARIE-TOOTH DISEASE, AXONAL, AUTOSOMAL RECESSIVE, TYPE 2X; CHARCOT-MARIE-TOOTH NEUROPATHY, TYPE 2X. Identifiers: Orphanet 466775, MedGen C5569024, MONDO:0014726, OMIM 616668.
Hereditary spastic paraplegia 11. Also called: SPASTIC PARAPLEGIA, AUTOSOMAL RECESSIVE, COMPLICATED, WITH THIN CORPUS CALLOSUM; SPASTIC PARAPLEGIA, AUTOSOMAL RECESSIVE, WITH MENTAL IMPAIRMENT AND THIN CORPUS CALLOSUM; Spastic paraplegia, mental retardation and thin corpus callosum; Spastic Paraplegia 11; Nakamura Osame syndrome; Autosomal recessive hereditary spastic paraplegia, mental impairment, and thin corpus callosum. Identifiers: Orphanet 2822, MedGen C1858479, MONDO:0011445, OMIM 604360.
SPG11-related disorder. Also called: SPG11-related condition.
Inborn genetic diseases. Identifiers: MedGen C0950123, MeSH D030342.

Submissions (9):

Labcorp Genetics (formerly Invitae), Labcorp
Classification: Pathogenic for Hereditary spastic paraplegia 11. Last evaluated: 2025-08-29. Review status: criteria provided, single submitter. Criteria: Invitae Variant Classification Sherloc (09022015). Collection method: clinical testing. Allele origin: germline.
Comment: This sequence change creates a premature translational stop signal (p.Asp402Ilefs*14) in the SPG11 gene. It is expected to result in an absent or disrupted protein product. Loss-of-function variants in SPG11 are known to be pathogenic (PMID: 19105190, 20110243, 22154821, 26556829). This variant is present in population databases (rs312262722, gnomAD 0.003%). This premature translational stop signal has been observed in individual(s) with autosomal recessive hereditary spastic paraplegia (PMID: 17322883, 19105190, 19196735, 24833714). In at least one individual the data is consistent with being in trans (on the opposite chromosome) from a pathogenic variant. It has also been observed to segregate with disease in related individuals. ClinVar contains an entry for this variant (Variation ID: 41268). For these reasons, this variant has been classified as Pathogenic.

Revvity Omics, Revvity
Classification: Pathogenic. Last evaluated: 2024-12-09. Review status: criteria provided, single submitter. Criteria: ACMG Guidelines, 2015. Collection method: clinical testing. Allele origin: germline.

Centre of Medical Genetics, University Hospital Muenster
Classification: Pathogenic. Last evaluated: 2024-09-18. Review status: criteria provided, single submitter. Criteria: ACMG Guidelines, 2015. Collection method: clinical testing. Allele origin: unknown. Affected: yes. Observed: 1 variant allele, 1 heterozygote.
Comment: ACMG categories: PVS1,PS4,PM2,PM3

Fulgent Genetics
Classification: Pathogenic for Amyotrophic lateral sclerosis type 5; Hereditary spastic paraplegia 11; Charcot-Marie-Tooth disease axonal type 2X. Last evaluated: 2024-01-02. Review status: criteria provided, single submitter. Criteria: ACMG Guidelines, 2015. Collection method: clinical testing. Allele origin: germline.

Ambry Genetics
Classification: Pathogenic for Inborn genetic diseases. Last evaluated: 2022-05-07. Review status: criteria provided, single submitter. Criteria: Ambry Variant Classification Scheme 2023. Collection method: clinical testing. Allele origin: germline.
Comment: The c.1203delA pathogenic mutation, located in coding exon 6 of the SPG11 gene, results from a deletion of one nucleotide at nucleotide position 1203, causing a translational frameshift with a predicted alternate stop codon (p.D402Ifs*14). This alteration has been detected as homozygous or compound heterozygous with another SPG11 alteration in multiple individuals with hereditary spastic paraplegia type 11 (SPG11) (Vural A et al. Mov Disord, 2021 07;36:1676-1688). (Chen X et al. BMC Neurol, 2020 Jan;20:2; D'Amore A et al. Front Neurol, 2018 Dec;9:981; Pensato V et al. Brain, 2014 Jul;137:1907-20; de Bot ST et al. Eur J Hum Genet, 2013 Nov;21:1312-5; Crimella C et al. J Med Genet, 2009 May;46:345-51; Denora PS et al. Hum Mutat, 2009 Mar;30:E500-19; Stevanin G et al. Nat Genet, 2007 Mar;39:366-72). This variant is considered to be rare based on population cohorts in the Genome Aggregation Database (gnomAD). This alteration is expected to result in loss of function by premature protein truncation or nonsense-mediated mRNA decay. As such, this alteration is interpreted as a disease-causing mutation.

Genome-Nilou Lab
Classification: Pathogenic for Hereditary spastic paraplegia 11. Review status: criteria provided, single submitter. Criteria: ACMG Guidelines, 2015. Collection method: clinical testing. Allele origin: germline.

Paris Brain Institute, Inserm - ICM
Classification: Pathogenic for Hereditary spastic paraplegia 11. Review status: criteria provided, single submitter. Criteria: ACMG Guidelines, 2015. Collection method: clinical testing. Allele origin: unknown. Affected: yes. Observed: 2 variant alleles.

PreventionGenetics, part of Exact Sciences
Classification: Pathogenic for SPG11-related condition. Last evaluated: 2024-09-05. Review status: no assertion criteria provided. Collection method: clinical testing. Allele origin: germline. Not counted in ClinVar's aggregate classification.
Comment: The SPG11 c.1203delA variant is predicted to result in a frameshift and premature protein termination (p.Asp402Ilefs*14). This variant was reported in the homozygous and compound heterozygous state in multiple individuals with autosomal recessive spastic paraplegia (Stevanin et al. 2007. PubMed ID: 17322883; D'Amore et al. 2018. PubMed ID: 30564185; Table S1, Vural et al. 2021. PubMed ID: 33624863). This variant is reported in 0.0029% of alleles in individuals of Latino descent in gnomAD. Frameshift variants in SPG11 are expected to be pathogenic. This variant is interpreted as pathogenic.

GeneReviews
No classification provided. Condition: Hereditary spastic paraplegia 11. Review status: no classification provided. Collection method: literature only. Allele origin: unknown. Not counted in ClinVar's aggregate classification.

Literature cited by the submitters: PubMed 19105190 (cited by 3 submitters); PubMed 20110243 (cited by Labcorp Genetics (formerly Invitae), Labcorp); PubMed 22154821 (cited by Labcorp Genetics (formerly Invitae), Labcorp); PubMed 26556829 (cited by Labcorp Genetics (formerly Invitae), Labcorp); PubMed 17322883 (cited by 3 submitters); PubMed 19196735 (cited by Labcorp Genetics (formerly Invitae), Labcorp and Ambry Genetics); PubMed 24833714 (cited by Labcorp Genetics (formerly Invitae), Labcorp and Ambry Genetics); PubMed 23443022 (cited by Ambry Genetics); PubMed 30564185 (cited by Ambry Genetics); PubMed 31900114 (cited by Ambry Genetics); PubMed 33624863 (cited by Ambry Genetics); PubMed 20301389 (cited by GeneReviews); NCBI Bookshelf NBK1210 (cited by GeneReviews).

NM_025137.4(SPG11):c.1203del (p.Asp402fs)

Gene: SPG11 (SPG11 vesicle trafficking associated, spatacsin; minus strand). Cytogenetic location: 15q21.1.
Variant type: Deletion.
Coding change: c.1203del on transcript NM_025137.4 (MANE Select); coding-DNA position 1203, one base deleted (A; older notation c.1203delA).
Protein change: p.Asp402fs; shifts the reading frame from aspartic acid 402.
Molecular consequence: frameshift variant.
Genome position (GRCh38, 1-based): chr15:44,651,744, T deleted on the plus strand (A on the coding strand, the reverse complement: SPG11 is on the minus strand); the first of 3 consecutive T bases (chr15:44,651,744-44,651,746); deleting any one gives the same sequence. VCF-style (leftmost placement, unchanged base first): chr15-44651743-CT-C. GRCh37 (hg19) VCF-style: chr15-44943941-CT-C.
Other names: c.1203del, p.Asp402fs (NM_001160227.2); short protein forms D402fs.
Identifiers: ClinVar variation 41268 (VCV000041268.22), dbSNP rs312262722, ClinGen allele CA344292.